The following is an entry in ClinVar:

NM_018718.3(CEP41):c.281A>G (p.Asn94Ser)

Gene: CEP41 (centrosomal protein 41; minus strand). Cytogenetic location: 7q32.2.
Variant type: single nucleotide variant.
Coding change: c.281A>G on transcript NM_018718.3 (MANE Select); coding-DNA position 281, A replaced by G.
Protein change: p.Asn94Ser; replaces asparagine 94 with serine.
Molecular consequence: missense variant. On other transcripts: non-coding transcript variant (1).
Genome position (GRCh38, 1-based): chr7:130,404,705, T>C on the plus strand (A>G on the coding strand, the complement: CEP41 is on the minus strand). VCF-style: chr7-130404705-T-C. GRCh37 (hg19) VCF-style: chr7-130044546-T-C.
Other names: c.281A>G, p.Asn94Ser (NM_001257158.2); c.233A>G, p.Asn78Ser (NM_001257159.2); short protein forms N78S, N94S.
Identifiers: ClinVar variation 2915179 (VCV002915179.3), dbSNP rs1796956068, ClinGen allele CA369289454.
Genomic context (GRCh38, chr7:130,404,705, plus strand): 5'-TTTCCTTTCCCATTGGTCCTGGCAGTGGTTTCAGCATCAGGGTCTGAAGCTGCAGAATCA[T>C]TGTCTAATATTTACAAATGAAGAAATAATTAGATTGAACCTCAGGATTTGTATTTACTTA-3'
Protein context (NP_061188.1, residues 84-104): TAEEIQRLED[Asn94Ser]DSAASDPDAE

ClinVar aggregate classification (germline): Uncertain significance (1 of 4 stars; one submission).

Conditions:
Joubert syndrome 15 (JBTS15). Identifiers: Orphanet 475, MedGen C3280897, MONDO:0013763, OMIM 614464.

Allele frequency attached by ClinVar (database versions not stated): gnomAD exomes 0.00001.

Submission:

Labcorp Genetics (formerly Invitae), Labcorp
Classification: Uncertain significance for Joubert syndrome 15. Last evaluated: 2024-01-25. Review status: criteria provided, single submitter. Criteria: Invitae Variant Classification Sherloc (09022015). Collection method: clinical testing. Allele origin: germline.
Comment: This sequence change replaces asparagine, which is neutral and polar, with serine, which is neutral and polar, at codon 94 of the CEP41 protein (p.Asn94Ser). This variant is not present in population databases (gnomAD no frequency). This variant has not been reported in the literature in individuals affected with CEP41-related conditions. Advanced modeling of protein sequence and biophysical properties (such as structural, functional, and spatial information, amino acid conservation, physicochemical variation, residue mobility, and thermodynamic stability) performed at Invitae indicates that this missense variant is not expected to disrupt CEP41 protein function with a negative predictive value of 80%. In summary, the available evidence is currently insufficient to determine the role of this variant in disease. Therefore, it has been classified as a Variant of Uncertain Significance.